The following is an entry in ClinVar:

NM_000465.4(BARD1):c.971A>G (p.His324Arg)

Gene: BARD1 (BRCA1 associated RING domain 1; minus strand). Cytogenetic location: 2q35.
Variant type: single nucleotide variant.
Coding change: c.971A>G on transcript NM_000465.4 (MANE Select); coding-DNA position 971, A replaced by G.
Protein change: p.His324Arg; replaces histidine 324 with arginine.
Molecular consequence: missense variant. On other transcripts: non-coding transcript variant (2), intron variant (3).
Genome position (GRCh38, 1-based): chr2:214,780,903, T>C on the plus strand (A>G on the coding strand, the complement: BARD1 is on the minus strand). VCF-style: chr2-214780903-T-C. GRCh37 (hg19) VCF-style: chr2-215645627-T-C.
Other names: c.914A>G, p.His305Arg (NM_001282543.2); c.159-28348A>G (NM_001282548.2); c.215+16158A>G (NM_001282545.2); c.364+11394A>G (NM_001282549.2); c.971A>G (NM_000465.2); short protein forms H305R, H324R.
Identifiers: ClinVar variation 839397 (VCV000839397.14), dbSNP rs1445844416, ClinGen allele CA350454641.
Genomic context (GRCh38, chr2:214,780,903, plus strand): 5'-CTGGTGCTCAGAATGCTGGTTCTACATCTCTTAGAAATGGGACTGGAAAGTCTATTGTGA[T>C]GGCCACGTTTTCCATTATTTTCTAATGGCAAAGATTTCTTAGATGTAAGATAATTTTTGC-3'
Protein context (NP_000456.2, residues 314-334): LPLENNGKRG[His324Arg]HNRLSSPISK

ClinVar aggregate classification (germline): Conflicting classifications of pathogenicity. Review status: criteria provided, conflicting classifications (1 of 4 stars). 2 submissions from 2 submitters: Uncertain significance (1); Likely benign (1). Last evaluated 2024-02-20.

Conditions:
Hereditary cancer-predisposing syndrome. Also called: Neoplastic Syndromes, Hereditary; Tumor predisposition; Hereditary neoplastic syndrome; Hereditary Cancer Syndrome. Identifiers: Orphanet 140162, MedGen C0027672, MeSH D009386, MONDO:0015356.
Familial cancer of breast. Also called: Hereditary breast cancer; hereditary breast carcinoma; BREAST CANCER, FAMILIAL. Identifiers: Orphanet 227535, MedGen C0346153, MONDO:0016419, OMIM 114480. Disease mechanism: loss of function.

gnomAD v4.1: 1 of 1,614,126 alleles (0.000062%); highest among the groups gnomAD compares: Non-Finnish European, 0.000085%; no homozygotes.

Submissions (2):

Labcorp Genetics (formerly Invitae), Labcorp
Classification: Uncertain significance for Familial cancer of breast. Last evaluated: 2024-02-20. Review status: criteria provided, single submitter. Criteria: Invitae Variant Classification Sherloc (09022015). Collection method: clinical testing. Allele origin: germline.
Comment: This sequence change replaces histidine, which is basic and polar, with arginine, which is basic and polar, at codon 324 of the BARD1 protein (p.His324Arg). This variant is present in population databases (no rsID available, gnomAD 0.006%). This variant has not been reported in the literature in individuals affected with BARD1-related conditions. ClinVar contains an entry for this variant (Variation ID: 839397). Algorithms developed to predict the effect of missense changes on protein structure and function output the following: SIFT: "Not Available"; PolyPhen-2: "Benign"; Align-GVGD: "Not Available". The arginine amino acid residue is found in multiple mammalian species, which suggests that this missense change does not adversely affect protein function. In summary, the available evidence is currently insufficient to determine the role of this variant in disease. Therefore, it has been classified as a Variant of Uncertain Significance.

Ambry Genetics
Classification: Likely benign for Hereditary cancer-predisposing syndrome. Last evaluated: 2023-09-04. Review status: criteria provided, single submitter. Criteria: Ambry Variant Classification Scheme 2023. Collection method: clinical testing. Allele origin: germline.